The following is an entry in ClinVar:

NM_139058.3(ARX):c.55A>C (p.Lys19Gln)

Gene: ARX (aristaless related homeobox; minus strand). Cytogenetic location: Xp21.3.
Variant type: single nucleotide variant.
Coding change: c.55A>C on transcript NM_139058.3 (MANE Select); coding-DNA position 55, A replaced by C.
Protein change: p.Lys19Gln; replaces lysine 19 with glutamine.
Molecular consequence: missense variant.
Genome position (GRCh38, 1-based): chrX:25,015,683, T>G on the plus strand (A>C on the coding strand, the complement: ARX is on the minus strand). VCF-style: chrX-25015683-T-G. GRCh37 (hg19) VCF-style: chrX-25033800-T-G.
Other names: short protein forms K19Q.
Identifiers: ClinVar variation 2946828 (VCV002946828.3), dbSNP rs2519109290, ClinGen allele CA412613995.

ClinVar aggregate classification (germline): Uncertain significance (1 of 4 stars; one submission).

Conditions:
Developmental and epileptic encephalopathy, 1 (DEE1). Also called: INFANTILE SPASM SYNDROME, X-LINKED 1; X-linked infantile spasms; West's syndrome; Tonic spasms with clustering, arrest of psychomotor development and hypsarrhythmia on EEG; X-Linked Infantile Spasm Syndrome; OHTAHARA SYNDROME, X-LINKED. Identifiers: MedGen C3463992, MONDO:0010632, OMIM 308350. Disease mechanism: loss of function.
Intellectual disability, X-linked, with or without seizures, ARX-related. Also called: MENTAL RETARDATION, X-LINKED 29; MENTAL RETARDATION, X-LINKED 32; MENTAL RETARDATION, X-LINKED 33; MENTAL RETARDATION, X-LINKED 38; MENTAL RETARDATION, X-LINKED 43; MENTAL RETARDATION, X-LINKED 76. Identifiers: Orphanet 777, MedGen C0796244, MONDO:0010317, OMIM 300419.

Allele frequency attached by ClinVar (database versions not stated): gnomAD exomes below 0.00001.
gnomAD v4.1: 1 of 1,206,725 alleles (0.000083%); highest among the groups gnomAD compares: South Asian, 0.0018%; no homozygotes.

Submission:

Labcorp Genetics (formerly Invitae), Labcorp
Classification: Uncertain significance for Developmental and epileptic encephalopathy, 1; Intellectual disability, X-linked, with or without seizures, ARX-related. Last evaluated: 2024-08-14. Review status: criteria provided, single submitter. Criteria: Invitae Variant Classification Sherloc (09022015). Collection method: clinical testing. Allele origin: germline.
Comment: This sequence change replaces lysine, which is basic and polar, with glutamine, which is neutral and polar, at codon 19 of the ARX protein (p.Lys19Gln). This variant is not present in population databases (gnomAD no frequency). This variant has not been reported in the literature in individuals affected with ARX-related conditions. Invitae Evidence Modeling of protein sequence and biophysical properties (such as structural, functional, and spatial information, amino acid conservation, physicochemical variation, residue mobility, and thermodynamic stability) has been performed for this missense variant. However, the output from this modeling did not meet the statistical confidence thresholds required to predict the impact of this variant on ARX protein function. In summary, the available evidence is currently insufficient to determine the role of this variant in disease. Therefore, it has been classified as a Variant of Uncertain Significance.